The following is an entry in ClinVar:

NM_004963.4(GUCY2C):c.932C>T (p.Ser311Phe)

Genes: GUCY2C (guanylate cyclase 2C; minus strand), GUCY2C-AS1 (GUCY2C antisense RNA 1; plus strand). Cytogenetic location: 12p12.3.
Variant type: single nucleotide variant.
Coding change: c.932C>T on transcript NM_004963.4 (MANE Select); coding-DNA position 932, C replaced by T.
Protein change: p.Ser311Phe; replaces serine 311 with phenylalanine.
Molecular consequence: missense variant.
Genome position (GRCh38, 1-based): chr12:14,676,870, G>A on the plus strand (C>T on the coding strand, the complement: GUCY2C is on the minus strand). VCF-style: chr12-14676870-G-A. GRCh37 (hg19) VCF-style: chr12-14829804-G-A.
Other names: c.932C>T (NM_004963.3); short protein forms S311F.
Identifiers: ClinVar variation 1443889 (VCV001443889.10), dbSNP rs182758587, ClinGen allele CA6463614.

ClinVar aggregate classification (germline): Uncertain significance. Review status: criteria provided, multiple submitters, no conflicts (2 of 4 stars). 2 submissions from 2 submitters: Uncertain significance (2). Last evaluated 2025-10-23.

Conditions:
Congenital diarrhea 6. Identifiers: Orphanet 314373, MedGen C3553270, MONDO:0013825, OMIM 614616.
Meconium ileus. Identifiers: Orphanet 314376, MedGen C2939175, MONDO:0054868, HP:0004401.

Allele frequency attached by ClinVar (database versions not stated): ESP Exome Variant Server 0.00008; gnomAD 0.00013 and 0.00014; TOPMed 0.00013; 1000 Genomes Project 30x 0.00016; 1000 Genomes Project 0.00020; gnomAD exomes 0.00045; ExAC 0.00080.

Submissions (2):

Labcorp Genetics (formerly Invitae), Labcorp
Classification: Uncertain significance. Last evaluated: 2025-10-23. Review status: criteria provided, single submitter. Criteria: Invitae Variant Classification Sherloc (09022015). Collection method: clinical testing. Allele origin: germline.
Comment: This sequence change replaces serine, which is neutral and polar, with phenylalanine, which is neutral and non-polar, at codon 311 of the GUCY2C protein (p.Ser311Phe). This variant is present in population databases (rs182758587, gnomAD 0.08%). This variant has not been reported in the literature in individuals affected with GUCY2C-related conditions. ClinVar contains an entry for this variant (Variation ID: 1443889). Invitae Evidence Modeling of protein sequence and biophysical properties (such as structural, functional, and spatial information, amino acid conservation, physicochemical variation, residue mobility, and thermodynamic stability) indicates that this missense variant is not expected to disrupt GUCY2C protein function with a negative predictive value of 80%. In summary, the available evidence is currently insufficient to determine the role of this variant in disease. Therefore, it has been classified as a Variant of Uncertain Significance.

Revvity Omics, Revvity
Classification: Uncertain significance. Last evaluated: 2023-02-17. Review status: criteria provided, single submitter. Criteria: ACMG Guidelines, 2015. Collection method: clinical testing. Allele origin: germline.